The following is an entry in ClinVar:

NM_013451.4(MYOF):c.3851C>A (p.Pro1284His)

Gene: MYOF (myoferlin; minus strand). Cytogenetic location: 10q23.33.
Variant type: single nucleotide variant.
Coding change: c.3851C>A on transcript NM_013451.4 (MANE Select); coding-DNA position 3851, C replaced by A.
Protein change: p.Pro1284His; replaces proline 1284 with histidine.
Molecular consequence: missense variant.
Genome position (GRCh38, 1-based): chr10:93,351,267, G>T on the plus strand (C>A on the coding strand, the complement: MYOF is on the minus strand). VCF-style: chr10-93351267-G-T. GRCh37 (hg19) VCF-style: chr10-95111024-G-T.
Other names: c.3812C>A, p.Pro1271His (NM_133337.3); short protein forms P1284H, P1271H.
Identifiers: ClinVar variation 2600258 (VCV002600258.4), dbSNP rs200385861, ClinGen allele CA5607365.

ClinVar aggregate classification (germline): Uncertain significance. Review status: criteria provided, multiple submitters, no conflicts (2 of 4 stars). 2 submissions from 2 submitters: Uncertain significance (2). Last evaluated 2025-09-28.

Conditions:
MYOF-related disorder. Also called: MYOF-related condition.

Allele frequency attached by ClinVar (database versions not stated): TOPMed 0.00005; 1000 Genomes Project 0.00020; ExAC 0.00005; ESP Exome Variant Server 0.00008; gnomAD 0.00005; gnomAD exomes 0.00006; 1000 Genomes Project 30x 0.00016.
gnomAD v4.1: 100 of 1,613,674 alleles (0.0062%); highest among the groups gnomAD compares: Non-Finnish European, 0.0075%; no homozygotes.

Submissions (2):

Ambry Genetics
Classification: Uncertain significance. Last evaluated: 2025-09-28. Review status: criteria provided, single submitter. Criteria: Ambry Variant Classification Scheme 2023. Collection method: clinical testing. Allele origin: germline.

PreventionGenetics, part of Exact Sciences
Classification: Uncertain significance for MYOF-related condition. Last evaluated: 2023-03-29. Review status: criteria provided, single submitter. Criteria: ACMG Guidelines, 2015. Collection method: clinical testing. Allele origin: germline.
Comment: The MYOF c.3851C>A variant is predicted to result in the amino acid substitution p.Pro1284His. To our knowledge, this variant has not been reported in the literature. This variant is reported in 0.010% of alleles in individuals of European (Non-Finnish) descent in gnomAD. At this time, the clinical significance of this variant is uncertain due to the absence of conclusive functional and genetic evidence.